The following is an entry in ClinVar:

ClinVar aggregate classification (germline): Uncertain significance. Review status: criteria provided, multiple submitters, no conflicts (2 of 4 stars). 2 submissions from 2 submitters: Uncertain significance (2). Last evaluated 2025-03-17.

Conditions:
X-linked myopathy with excessive autophagy (AVM). Also called: Vacuolar myopathy; Autophagic vacuolar myopathy. Identifiers: Orphanet 25980, MedGen C1839615, MONDO:0010684, OMIM 310440.

Allele frequency attached by ClinVar (database versions not stated): gnomAD exomes below 0.00001; gnomAD 0.00002; TOPMed 0.00002.

Submissions (2):

Women's Health and Genetics/Laboratory Corporation of America, LabCorp
Classification: Uncertain significance. Last evaluated: 2025-03-17. Review status: criteria provided, single submitter. Criteria: LabCorp Variant Classification Summary - May 2015. Collection method: clinical testing. Allele origin: germline.
Comment: Variant summary: VMA21 c.53+5C>T alters a non-conserved nucleotide located close to a canonical splice site and therefore could affect mRNA splicing, leading to a significantly altered protein sequence. Consensus agreement among computation tools predict no significant impact on normal splicing. However, these predictions have yet to be confirmed by functional studies. The variant allele was found at a frequency of 3.5e-06 in 1155328 control chromosomes in the gnomAD database (v4.1 dataset), including 2 hemizygotes. The available data on variant occurrences in the general population are insufficient to allow any conclusion about variant significance. To our knowledge, no occurrence of c.53+5C>T in individuals affected with X-Linked Myopathy With Excessive Autophagy and no experimental evidence demonstrating its impact on protein function have been reported. ClinVar contains an entry for this variant (Variation ID: 1056036). Based on the evidence outlined above, the variant was classified as uncertain significance.

Labcorp Genetics (formerly Invitae), Labcorp
Classification: Uncertain significance for X-linked myopathy with excessive autophagy. Last evaluated: 2023-12-21. Review status: criteria provided, single submitter. Criteria: Invitae Variant Classification Sherloc (09022015). Collection method: clinical testing. Allele origin: germline.
Comment: This sequence change falls in intron 1 of the VMA21 gene. It does not directly change the encoded amino acid sequence of the VMA21 protein. It affects a nucleotide within the consensus splice site. This variant is not present in population databases (gnomAD no frequency). This variant has not been reported in the literature in individuals affected with VMA21-related conditions. ClinVar contains an entry for this variant (Variation ID: 1056036). Variants that disrupt the consensus splice site are a relatively common cause of aberrant splicing (PMID: 17576681, 9536098). Algorithms developed to predict the effect of sequence changes on RNA splicing suggest that this variant is not likely to affect RNA splicing. In summary, the available evidence is currently insufficient to determine the role of this variant in disease. Therefore, it has been classified as a Variant of Uncertain Significance.

Literature cited by the submitters: PubMed 17576681 (cited by Labcorp Genetics (formerly Invitae), Labcorp); PubMed 9536098 (cited by Labcorp Genetics (formerly Invitae), Labcorp).

NM_001017980.4(VMA21):c.53+5C>T

Gene: VMA21 (vacuolar ATPase assembly factor VMA21; plus strand). Cytogenetic location: Xq28.
Variant type: single nucleotide variant.
Coding change: c.53+5C>T on transcript NM_001017980.4 (MANE Select); 5 bases into the intron after coding-DNA position 53, C replaced by T.
Molecular consequence: intron variant.
Genome position (GRCh38, 1-based): chrX:151,397,366, C>T. VCF-style: chrX-151397366-C-T. GRCh37 (hg19) VCF-style: chrX-150565838-C-T.
Other names: c.218+309C>T (NM_001363810.1).
Identifiers: ClinVar variation 1056036 (VCV001056036.11), dbSNP rs1045706196, ClinGen allele CA337305077.